The following is an entry in ClinVar:

NM_000070.3(CAPN3):c.373G>A (p.Glu125Lys)

Gene: CAPN3 (calpain 3; plus strand). Cytogenetic location: 15q15.1.
Variant type: single nucleotide variant.
Coding change: c.373G>A on transcript NM_000070.3 (MANE Select); coding-DNA position 373, G replaced by A.
Protein change: p.Glu125Lys; replaces glutamic acid 125 with lysine.
Molecular consequence: missense variant.
Genome position (GRCh38, 1-based): chr15:42,384,546, G>A. VCF-style: chr15-42384546-G-A. GRCh37 (hg19) VCF-style: chr15-42676744-G-A.
Other names: c.373G>A, p.Glu125Lys (NM_024344.2, NM_173087.2); short protein forms E125K.
Identifiers: ClinVar variation 4681721 (VCV004681721.5).

ClinVar aggregate classification (germline): Uncertain significance (1 of 4 stars; one submission).

gnomAD v4.1: 1 of 1,612,854 alleles (0.000062%); highest among the groups gnomAD compares: East Asian, 0.0022%; no homozygotes.

Submission:

CeGaT Center for Human Genetics Tuebingen
Classification: Uncertain significance. Last evaluated: 2026-07-01. Review status: criteria provided, single submitter. Criteria: CeGaT Center For Human Genetics Tuebingen Variant Classification Criteria Version 2. Collection method: clinical testing. Allele origin: germline. Affected: yes. Observed: 2 variant alleles.
Comment: CAPN3: PM2, PM3